The following is an entry in ClinVar:

ClinVar aggregate classification (germline): Uncertain significance (1 of 4 stars; one submission).

Submission:

Ambry Genetics
Classification: Uncertain significance. Last evaluated: 2024-03-09. Review status: criteria provided, single submitter. Criteria: Ambry Variant Classification Scheme 2023. Collection method: clinical testing. Allele origin: germline.
Comment: The p.P767L variant (also known as c.2300C>T), located in coding exon 1 of the MLH3 gene, results from a C to T substitution at nucleotide position 2300. The proline at codon 767 is replaced by leucine, an amino acid with similar properties. This amino acid position is conserved. In addition, this alteration is predicted to be tolerated by in silico analysis. Based on the available evidence, the clinical significance of this alteration remains unclear.

NM_001040108.2(MLH3):c.2300C>T (p.Pro767Leu)

Gene: MLH3 (mutL homolog 3; minus strand). Cytogenetic location: 14q24.3.
Variant type: single nucleotide variant.
Coding change: c.2300C>T on transcript NM_001040108.2 (MANE Select); coding-DNA position 2300, C replaced by T.
Protein change: p.Pro767Leu; replaces proline 767 with leucine.
Molecular consequence: missense variant.
Genome position (GRCh38, 1-based): chr14:75,047,356, G>A on the plus strand (C>T on the coding strand, the complement: MLH3 is on the minus strand). VCF-style: chr14-75047356-G-A. GRCh37 (hg19) VCF-style: chr14-75514059-G-A.
Other names: c.2300C>T, p.Pro767Leu (NM_014381.3); short protein forms P767L.
Identifiers: ClinVar variation 3232479 (VCV003232479.1), dbSNP rs2139565533, ClinGen allele CA390440999.
Genomic context (GRCh38, chr14:75,047,356, plus strand): 5'-TCAACTTGAAGACTGAGATTGGTAGTGACTCCATTACTTTCCTCTACTTCTGTATCCAGA[G>A]GATTTTCAACCTTCCCATATTGCCTCTTAAACTTCTCTAAAGATCCTAGCTGTGAACTCA-3'
Protein context (NP_001035197.1, residues 757-777): FKRQYGKVEN[Pro767Leu]LDTEVEESNG